The following is an entry in ClinVar:

NM_001278716.2(FBXL4):c.512+3A>G

Gene: FBXL4 (F-box and leucine rich repeat protein 4; minus strand). Cytogenetic location: 6q16.2.
Variant type: single nucleotide variant.
Coding change: c.512+3A>G on transcript NM_001278716.2 (MANE Select); 3 bases into the intron after coding-DNA position 512, A replaced by G.
Molecular consequence: intron variant.
Genome position (GRCh38, 1-based): chr6:98,926,474, T>C on the plus strand (A>G on the coding strand, the complement: FBXL4 is on the minus strand). VCF-style: chr6-98926474-T-C. GRCh37 (hg19) VCF-style: chr6-99374350-T-C.
Other names: c.512+3A>G (NM_012160.5).
Identifiers: ClinVar variation 2121202 (VCV002121202.4), dbSNP rs1772782465, ClinGen allele CA1649907199.

ClinVar aggregate classification (germline): Uncertain significance (1 of 4 stars; one submission).

Allele frequency attached by ClinVar (database versions not stated): TOPMed below 0.00001.

Submission:

Labcorp Genetics (formerly Invitae), Labcorp
Classification: Uncertain significance. Last evaluated: 2022-12-02. Review status: criteria provided, single submitter. Criteria: Invitae Variant Classification Sherloc (09022015). Collection method: clinical testing. Allele origin: germline.
Comment: This sequence change falls in intron 3 of the FBXL4 gene. It does not directly change the encoded amino acid sequence of the FBXL4 protein. It affects a nucleotide within the consensus splice site. This variant is not present in population databases (gnomAD no frequency). This variant has not been reported in the literature in individuals affected with FBXL4-related conditions. Variants that disrupt the consensus splice site are a relatively common cause of aberrant splicing (PMID: 17576681, 9536098). Algorithms developed to predict the effect of sequence changes on RNA splicing suggest that this variant may disrupt the consensus splice site. In summary, the available evidence is currently insufficient to determine the role of this variant in disease. Therefore, it has been classified as a Variant of Uncertain Significance.

Literature cited by the submitters: PubMed 17576681; PubMed 9536098.